The following is an entry in ClinVar:

NM_025103.4(IFT74):c.934-4G>A

Gene: IFT74 (intraflagellar transport 74; plus strand). Cytogenetic location: 9p21.2.
Variant type: single nucleotide variant.
Coding change: c.934-4G>A on transcript NM_025103.4 (MANE Select); 4 bases into the intron before coding-DNA position 934, G replaced by A.
Molecular consequence: intron variant.
Genome position (GRCh38, 1-based): chr9:27,018,643, G>A. VCF-style: chr9-27018643-G-A. GRCh37 (hg19) VCF-style: chr9-27018641-G-A.
Other names: c.934-4G>A (NM_025103.2, NM_001099223.3, NM_001099222.3 and 2 more transcripts).
Identifiers: ClinVar variation 2096641 (VCV002096641.5), dbSNP rs76827383, ClinGen allele CA2580080343.

ClinVar aggregate classification (germline): Likely benign. Review status: criteria provided, multiple submitters, no conflicts (2 of 4 stars). 2 submissions from 2 submitters: Likely benign (2). Last evaluated 2026-04-22.

Conditions:
IFT74-related disorder. Also called: IFT74-related condition; IFT74-Related Disorders.

Submissions (2):

PreventionGenetics, part of Exact Sciences
Classification: Likely benign for IFT74-related condition. Last evaluated: 2026-04-22. Review status: criteria provided, single submitter. Criteria: ACMG Guidelines, 2015. Collection method: clinical testing. Allele origin: germline.
Comment: This variant is classified as likely benign based on ACMG/AMP sequence variant interpretation guidelines (Richards et al. 2015 PMID: 25741868, with internal and published modifications).

Labcorp Genetics (formerly Invitae), Labcorp
Classification: Likely benign. Last evaluated: 2022-02-11. Review status: criteria provided, single submitter. Criteria: Invitae Variant Classification Sherloc (09022015). Collection method: clinical testing. Allele origin: germline.